The following is an entry in ClinVar:

NM_001297.5(CNGB1):c.2098C>T (p.Leu700Phe)

Gene: CNGB1 (cyclic nucleotide gated channel subunit beta 1; minus strand). Cytogenetic location: 16q21.
Variant type: single nucleotide variant.
Coding change: c.2098C>T on transcript NM_001297.5 (MANE Select); coding-DNA position 2098, C replaced by T.
Protein change: p.Leu700Phe; replaces leucine 700 with phenylalanine.
Molecular consequence: missense variant.
Genome position (GRCh38, 1-based): chr16:57,917,336, G>A on the plus strand (C>T on the coding strand, the complement: CNGB1 is on the minus strand). VCF-style: chr16-57917336-G-A. GRCh37 (hg19) VCF-style: chr16-57951240-G-A.
Other names: c.2080C>T, p.Leu694Phe (NM_001286130.2); short protein forms L700F, L694F.
Identifiers: ClinVar variation 320080 (VCV000320080.22), dbSNP rs181974243, ClinGen allele CA8083178.

ClinVar aggregate classification (germline): Conflicting classifications of pathogenicity. Review status: criteria provided, conflicting classifications (1 of 4 stars). 5 submissions from 5 submitters: Uncertain significance (3); Likely benign (2). Last evaluated 2026-05-21.

Conditions:
CNGB1-related disorder. Also called: CNGB1-related condition.
Retinitis pigmentosa 45 (RP45). Identifiers: Orphanet 791, MedGen C3151066, MONDO:0013413, OMIM 613767.
Retinitis pigmentosa (RP). Identifiers: Orphanet 791, MedGen C0035334, MeSH D012174, MONDO:0019200, OMIM 268000. Inheritance: Autosomal dominant, autosomal recessive and X linked inheritance.

Allele frequency attached by ClinVar (database versions not stated): gnomAD exomes 0.00002 and 0.00016; gnomAD 0.00006 and 0.00007; TOPMed 0.00007; ExAC 0.00018; 1000 Genomes Project 0.00060; 1000 Genomes Project 30x 0.00078.
gnomAD v4.1: 73 of 1,614,112 alleles (0.0045%); highest among the groups gnomAD compares: East Asian, 0.087%; no homozygotes.

Submissions (5):

PreventionGenetics, part of Exact Sciences
Classification: Uncertain significance for CNGB1-related condition. Last evaluated: 2026-05-21. Review status: criteria provided, single submitter. Criteria: ACMG Guidelines, 2015. Collection method: clinical testing. Allele origin: germline.
Comment: The CNGB1 c.2098C>T variant is predicted to result in the amino acid substitution p.Leu700Phe. This variant has been reported in an individual with retinitis pigmentosa (referred to as c.2080C>T; p.L694F in Chen et al. 2019. PubMed ID: 31872526). This variant is present in 0.21% of alleles in individuals of East Asian descent in gnomAD, which may be too common to be a rarely reported cause of disease. Although we suspect this variant may be benign, at this time, the clinical significance of this variant is uncertain due to the absence of conclusive functional and genetic evidence.

Labcorp Genetics (formerly Invitae), Labcorp
Classification: Likely benign. Last evaluated: 2026-01-25. Review status: criteria provided, single submitter. Criteria: Invitae Variant Classification Sherloc (09022015). Collection method: clinical testing. Allele origin: germline.

Blueprint Genetics
Classification: Likely benign. Last evaluated: 2024-10-14. Review status: criteria provided, single submitter. Criteria: ACMG Guidelines, 2015. Collection method: clinical testing. Allele origin: germline.

ARUP Laboratories, Molecular Genetics and Genomics, ARUP Laboratories
Classification: Uncertain significance for Retinitis pigmentosa 45. Last evaluated: 2018-08-24. Review status: criteria provided, single submitter. Criteria: ARUP Molecular Germline Variant Investigation Process. Collection method: clinical testing. Allele origin: germline.
Comment: The CNGB1 c.2098C>T; p.Leu700Phe variant (rs181974243), to our knowledge, is not reported in the medical literature or in gene-specific databases. The variant is listed in the ClinVar database (Variation ID: 320080) and is found in the East Asian population with an allele frequency of 0.2% (40/18868 alleles) in the Genome Aggregation Database. The leucine at this position is moderately conserved but computational analyses (SIFT: Deleterious, PolyPhen-2: Benign) predict conflicting effects of this variant on protein structure/function. Considering available information, the clinical significance of this variant cannot be determined with certainty. Pathogenic CNGB1 variants are causative for autosomal recessive retinitis pigmentosa (MIM: 613767).

Illumina Laboratory Services, Illumina
Classification: Uncertain significance for Retinitis pigmentosa. Last evaluated: 2018-01-13. Review status: criteria provided, single submitter. Criteria: ICSL Variant Classification Criteria 13 December 2019. Collection method: clinical testing. Allele origin: germline.